The following is an entry in ClinVar:

ClinVar aggregate classification (germline): Uncertain significance (1 of 4 stars; one submission).

Conditions:
Cystic fibrosis (CF). Also called: MUCOVISCIDOSIS. Identifiers: Orphanet 586, MedGen C0010674, MONDO:0009061, OMIM 219700. Disease mechanism: loss of function.

gnomAD v4.1: 1 of 1,610,076 alleles (0.000062%); no homozygotes.

Submission:

Ambry Genetics
Classification: Uncertain significance for Cystic fibrosis. Last evaluated: 2022-11-22. Review status: criteria provided, single submitter. Criteria: Ambry Variant Classification Scheme 2023. Collection method: clinical testing. Allele origin: germline.
Comment: The p.V1129I variant (also known as c.3385G>A), located in coding exon 21 of the CFTR gene, results from a G to A substitution at nucleotide position 3385. The valine at codon 1129 is replaced by isoleucine, an amino acid with highly similar properties. This amino acid position is not well conserved in available vertebrate species, and isoleucine is the reference amino acid in other vertebrate species. In addition, the in silico prediction for this alteration is inconclusive. Since supporting evidence is limited at this time, the clinical significance of this alteration remains unclear.

NM_000492.4(CFTR):c.3385G>A (p.Val1129Ile)

Genes: CFTR (CF transmembrane conductance regulator; plus strand), CFTR-AS2 (CFTR antisense RNA 2; minus strand). Cytogenetic location: 7q31.2.
Variant type: single nucleotide variant.
Coding change: c.3385G>A on transcript NM_000492.4 (MANE Select); coding-DNA position 3385, G replaced by A.
Protein change: p.Val1129Ile; replaces valine 1129 with isoleucine.
Molecular consequence: missense variant.
Genome position (GRCh38, 1-based): chr7:117,614,630, G>A. VCF-style: chr7-117614630-G-A. GRCh37 (hg19) VCF-style: chr7-117254684-G-A.
Other names: short protein forms V1129I.
Identifiers: ClinVar variation 2447429 (VCV002447429.2), dbSNP rs2116096247, ClinGen allele CA368993336.